The following is an entry in ClinVar:

NM_138420.4(AHNAK2):c.9453G>A (p.Pro3151=)

Gene: AHNAK2 (AHNAK nucleoprotein 2; minus strand). Cytogenetic location: 14q32.33.
Variant type: single nucleotide variant.
Coding change: c.9453G>A on transcript NM_138420.4 (MANE Select); coding-DNA position 9453, G replaced by A.
Protein change: p.Pro3151=; no amino-acid change (proline 3151 retained).
Molecular consequence: synonymous variant.
Genome position (GRCh38, 1-based): chr14:104,945,998, C>T on the plus strand (G>A on the coding strand, the complement: AHNAK2 is on the minus strand). VCF-style: chr14-104945998-C-T. GRCh37 (hg19) VCF-style: chr14-105412335-C-T.
Other names: c.9153G>A, p.Pro3051= (NM_001350929.2).
Identifiers: ClinVar variation 2644688 (VCV002644688.24), dbSNP rs202104959, ClinGen allele CA7379611.

ClinVar aggregate classification (germline): Likely benign (1 of 4 stars; one submission).

Submission:

CeGaT Center for Human Genetics Tuebingen
Classification: Likely benign. Last evaluated: 2025-12-01. Review status: criteria provided, single submitter. Criteria: CeGaT Center For Human Genetics Tuebingen Variant Classification Criteria Version 2. Collection method: clinical testing. Allele origin: germline. Affected: yes. Observed: 3 variant alleles.
Comment: AHNAK2: BP4, BP7